The following is an entry in ClinVar:

ClinVar aggregate classification (germline): Uncertain significance (1 of 4 stars; one submission).

gnomAD v4.1: 38 of 1,613,608 alleles (0.0024%); highest among the groups gnomAD compares: East Asian, 0.016%; no homozygotes.

Submission:

Labcorp Genetics (formerly Invitae), Labcorp
Classification: Uncertain significance. Last evaluated: 2025-10-14. Review status: criteria provided, single submitter. Criteria: Invitae Variant Classification Sherloc (09022015). Collection method: clinical testing. Allele origin: germline.
Comment: This sequence change replaces arginine, which is basic and polar, with cysteine, which is neutral and slightly polar, at codon 755 of the MYH7B protein (p.Arg755Cys). This variant is present in population databases (rs771235276, gnomAD 0.02%). This missense change has been observed in individual(s) with hypertrophic cardiomyopathy (PMID: 32207065). Invitae Evidence Modeling of protein sequence and biophysical properties (such as structural, functional, and spatial information, amino acid conservation, physicochemical variation, residue mobility, and thermodynamic stability) indicates that this missense variant is not expected to disrupt MYH7B protein function with a negative predictive value of 80%. In summary, the available evidence is currently insufficient to determine the role of this variant in disease. Therefore, it has been classified as a Variant of Uncertain Significance.

Literature cited by the submitters: PubMed 32207065.

NM_020884.7(MYH7B):c.2137C>T (p.Arg713Cys)

Gene: MYH7B (myosin heavy chain 7B; plus strand). Cytogenetic location: 20q11.22.
Variant type: single nucleotide variant.
Coding change: c.2137C>T on transcript NM_020884.7 (MANE Select); coding-DNA position 2137, C replaced by T.
Protein change: p.Arg713Cys; replaces arginine 713 with cysteine.
Molecular consequence: missense variant.
Genome position (GRCh38, 1-based): chr20:34,991,075, C>T. VCF-style: chr20-34991075-C-T. GRCh37 (hg19) VCF-style: chr20-33578878-C-T.
Other names: short protein forms R713C.
Identifiers: ClinVar variation 4749653 (VCV004749653.1).